The following is an entry in ClinVar:

ClinVar aggregate classification (germline): Uncertain significance (1 of 4 stars; one submission).

Conditions:
Granulomatous disease, chronic, X-linked. Also called: GRANULOMATOUS DISEASE, CHRONIC, X-LINKED, SOMATIC MOSAIC; CYTOCHROME b-NEGATIVE GRANULOMATOUS DISEASE, CHRONIC, X-LINKED. Identifiers: Orphanet 379, MedGen C1844376, MONDO:0010600, OMIM 306400.

Submission:

Labcorp Genetics (formerly Invitae), Labcorp
Classification: Uncertain significance for Granulomatous disease, chronic, X-linked. Last evaluated: 2022-11-02. Review status: criteria provided, single submitter. Criteria: Invitae Variant Classification Sherloc (09022015). Collection method: clinical testing. Allele origin: germline.
Comment: This variant is not present in population databases (gnomAD no frequency). This sequence change replaces phenylalanine, which is neutral and non-polar, with isoleucine, which is neutral and non-polar, at codon 40 of the CYBB protein (p.Phe40Ile). In summary, the available evidence is currently insufficient to determine the role of this variant in disease. Therefore, it has been classified as a Variant of Uncertain Significance. Advanced modeling of protein sequence and biophysical properties (such as structural, functional, and spatial information, amino acid conservation, physicochemical variation, residue mobility, and thermodynamic stability) performed at Invitae indicates that this missense variant is not expected to disrupt CYBB protein function. This variant has not been reported in the literature in individuals affected with CYBB-related conditions.

NM_000397.4(CYBB):c.118T>A (p.Phe40Ile)

Gene: CYBB (cytochrome b-245 beta chain; plus strand). Cytogenetic location: Xp21.1.
Variant type: single nucleotide variant.
Coding change: c.118T>A on transcript NM_000397.4 (MANE Select); coding-DNA position 118, T replaced by A.
Protein change: p.Phe40Ile; replaces phenylalanine 40 with isoleucine.
Molecular consequence: missense variant.
Genome position (GRCh38, 1-based): chrX:37,782,160, T>A. VCF-style: chrX-37782160-T-A. GRCh37 (hg19) VCF-style: chrX-37641413-T-A.
Other names: short protein forms F40I.
Identifiers: ClinVar variation 2811466 (VCV002811466.3), dbSNP rs1556464576, ClinGen allele CA412972629.